The following is an entry in ClinVar:

ClinVar aggregate classification (germline): Pathogenic/Likely pathogenic. Review status: criteria provided, multiple submitters, no conflicts (2 of 4 stars). 2 submissions from 2 submitters: Pathogenic (1); Likely pathogenic (1). Last evaluated 2024-01-12.

Conditions:
Polycystic kidney disease, adult type (PKD1). Also called: POLYCYSTIC KIDNEY DISEASE, ADULT, TYPE I; Polycystic Kidney Disease 1, Autosomal Dominant; Polycystic kidney disease 1; Polycystic kidney disease 1, severe; Polycystic Kidney, Autosomal Dominant; POLYCYSTIC KIDNEY DISEASE 1 WITH OR WITHOUT POLYCYSTIC LIVER DISEASE. Identifiers: MedGen C3149841, MONDO:0008263, OMIM 173900.

Submissions (2):

Laboratorio de Genetica e Diagnostico Molecular, Hospital Israelita Albert Einstein
Classification: Likely pathogenic for Polycystic kidney disease, adult type. Last evaluated: 2024-01-12. Review status: criteria provided, single submitter. Criteria: ACMG Guidelines, 2015. Collection method: clinical testing. Allele origin: germline. Affected: yes.
Comment: ACMG classification criteria: PVS1 very strong, PM2 moderate

Juno Genomics, Hangzhou Juno Genomics, Inc
Classification: Pathogenic for Polycystic kidney disease, adult type. Review status: criteria provided, single submitter. Criteria: ACMG Guidelines, 2015. Collection method: clinical testing. Allele origin: germline. Affected: yes.
Comment: Absent from controls (or at extremely low frequency if recessive) in Genome Aggregation Database, Exome Sequencing Project, 1000 Genomes Project, or Exome Aggregation Consortium.;Null variant in a gene where loss of function (LOF) is a known mechanism of disease.

NM_001009944.3(PKD1):c.4499G>A (p.Trp1500Ter)

Gene: PKD1 (polycystin 1, transient receptor potential channel interacting; minus strand). Cytogenetic location: 16p13.3.
Variant type: single nucleotide variant.
Coding change: c.4499G>A on transcript NM_001009944.3 (MANE Select); coding-DNA position 4499, G replaced by A.
Protein change: p.Trp1500Ter; replaces tryptophan 1500 with a stop codon.
Molecular consequence: nonsense.
Genome position (GRCh38, 1-based): chr16:2,110,668, C>T on the plus strand (G>A on the coding strand, the complement: PKD1 is on the minus strand). VCF-style: chr16-2110668-C-T. GRCh37 (hg19) VCF-style: chr16-2160669-C-T.
Other names: c.4499G>A, p.Trp1500Ter (NM_000296.4); short protein forms W1500*.
Identifiers: ClinVar variation 3382915 (VCV003382915.3).